The following is an entry in ClinVar:

ClinVar aggregate classification (germline): Uncertain significance (1 of 4 stars; one submission).

Allele frequency attached by ClinVar (database versions not stated): gnomAD exomes below 0.00001; ExAC 0.00001.
gnomAD v4.1: 1 of 1,614,114 alleles (0.000062%); highest among the groups gnomAD compares: Non-Finnish European, 0.000085%; no homozygotes.

Submission:

Ambry Genetics
Classification: Uncertain significance. Last evaluated: 2024-04-26. Review status: criteria provided, single submitter. Criteria: Ambry Variant Classification Scheme 2023. Collection method: clinical testing. Allele origin: germline.
Comment: The p.G104E variant (also known as c.311G>A), located in coding exon 5 of the RAD54L gene, results from a G to A substitution at nucleotide position 311. The glycine at codon 104 is replaced by glutamic acid, an amino acid with similar properties. This amino acid position is conserved. In addition, this alteration is predicted to be deleterious by in silico analysis. Since supporting evidence is limited at this time, the clinical significance of this alteration remains unclear.

NM_003579.4(RAD54L):c.311G>A (p.Gly104Glu)

Gene: RAD54L (RAD54 like; plus strand). Cytogenetic location: 1p34.1.
Variant type: single nucleotide variant.
Coding change: c.311G>A on transcript NM_003579.4 (MANE Select); coding-DNA position 311, G replaced by A.
Protein change: p.Gly104Glu; replaces glycine 104 with glutamic acid.
Molecular consequence: missense variant. On other transcripts: 5 prime UTR variant (1).
Genome position (GRCh38, 1-based): chr1:46,260,003, G>A. VCF-style: chr1-46260003-G-A. GRCh37 (hg19) VCF-style: chr1-46725675-G-A.
Other names: c.311G>A, p.Gly104Glu (NM_001142548.2); c.-230G>A (NM_001370766.1); short protein forms G104E.
Identifiers: ClinVar variation 1727843 (VCV001727843.3), dbSNP rs753238221, ClinGen allele CA834211.